The following is an entry in ClinVar:

ClinVar aggregate classification (germline): Likely benign. Review status: criteria provided, multiple submitters, no conflicts (2 of 4 stars). 2 submissions from 2 submitters: Likely benign (2). Last evaluated 2018-06-11.

Conditions:
Arrhythmogenic right ventricular dysplasia 10. Also called: Arrhythmogenic Right Ventricular Dysplasia/Cardiomyopathy10; ARRHYTHMOGENIC RIGHT VENTRICULAR DYSPLASIA, FAMILIAL, 10; Arrhythmogenic right ventricular dysplasia/cardiomyopathy, type 10. Identifiers: MedGen C1857777, MONDO:0012434, OMIM 610193.

Submissions (2):

Labcorp Genetics (formerly Invitae), Labcorp
Classification: Likely benign for Arrhythmogenic right ventricular dysplasia 10. Last evaluated: 2018-06-11. Review status: criteria provided, single submitter. Criteria: Invitae Variant Classification Sherloc (09022015). Collection method: clinical testing. Allele origin: germline.

Laboratory for Molecular Medicine, Mass General Brigham Personalized Medicine
Classification: Likely benign. Last evaluated: 2015-04-07. Review status: criteria provided, single submitter. Criteria: LMM Criteria. Collection method: clinical testing. Allele origin: germline. Observed: 1 variant allele.
Comment: p.His709His in exon 14 of DSG2: This variant is not expected to have clinical si gnificance because it does not alter an amino acid residue and is not located wi thin the splice consensus sequence.

NM_001943.5(DSG2):c.2127T>C (p.His709=)

Genes: DSG2 (desmoglein 2; plus strand), DSG2-AS1 (DSG2 antisense RNA 1; minus strand). Cytogenetic location: 18q12.1.
Variant type: single nucleotide variant.
Coding change: c.2127T>C on transcript NM_001943.5 (MANE Select); coding-DNA position 2127, T replaced by C.
Protein change: p.His709=; no amino-acid change (histidine 709 retained).
Molecular consequence: synonymous variant.
Genome position (GRCh38, 1-based): chr18:31,542,645, T>C. VCF-style: chr18-31542645-T-C. GRCh37 (hg19) VCF-style: chr18-29122608-T-C.
Identifiers: ClinVar variation 227338 (VCV000227338.15), dbSNP rs876657457, ClinGen allele CA10577053.